The following is an entry in ClinVar:

ClinVar aggregate classification (germline): Uncertain significance (1 of 4 stars; one submission).

Conditions:
Bardet-Biedl syndrome (BBS). Identifiers: Orphanet 110, MedGen C0752166, MONDO:0015229.

Submission:

Labcorp Genetics (formerly Invitae), Labcorp
Classification: Uncertain significance for Bardet-Biedl syndrome. Last evaluated: 2024-10-08. Review status: criteria provided, single submitter. Criteria: Invitae Variant Classification Sherloc (09022015). Collection method: clinical testing. Allele origin: germline.
Comment: This sequence change replaces phenylalanine, which is neutral and non-polar, with leucine, which is neutral and non-polar, at codon 217 of the BBS2 protein (p.Phe217Leu). This variant is not present in population databases (gnomAD no frequency). This variant has not been reported in the literature in individuals affected with BBS2-related conditions. ClinVar contains an entry for this variant (Variation ID: 1506692). Invitae Evidence Modeling of protein sequence and biophysical properties (such as structural, functional, and spatial information, amino acid conservation, physicochemical variation, residue mobility, and thermodynamic stability) has been performed for this missense variant. However, the output from this modeling did not meet the statistical confidence thresholds required to predict the impact of this variant on BBS2 protein function. In summary, the available evidence is currently insufficient to determine the role of this variant in disease. Therefore, it has been classified as a Variant of Uncertain Significance.

NM_031885.5(BBS2):c.651T>G (p.Phe217Leu)

Gene: BBS2 (Bardet-Biedl syndrome 2; minus strand). Cytogenetic location: 16q13.
Variant type: single nucleotide variant.
Coding change: c.651T>G on transcript NM_031885.5 (MANE Select); coding-DNA position 651, T replaced by G.
Protein change: p.Phe217Leu; replaces phenylalanine 217 with leucine.
Molecular consequence: missense variant. On other transcripts: non-coding transcript variant (5).
Genome position (GRCh38, 1-based): chr16:56,506,186, A>C on the plus strand (T>G on the coding strand, the complement: BBS2 is on the minus strand). VCF-style: chr16-56506186-A-C. GRCh37 (hg19) VCF-style: chr16-56540098-A-C.
Other names: c.651T>G, p.Phe217Leu (NM_001377456.1); short protein forms F217L.
Identifiers: ClinVar variation 1506692 (VCV001506692.7), dbSNP rs2144163118, ClinGen allele CA395983127.